The following is an entry in ClinVar:

NM_006612.6(KIF1C):c.252C>T (p.His84=)

Gene: KIF1C (kinesin family member 1C; plus strand). Cytogenetic location: 17p13.2.
Variant type: single nucleotide variant.
Coding change: c.252C>T on transcript NM_006612.6 (MANE Select); coding-DNA position 252, C replaced by T.
Protein change: p.His84=; no amino-acid change (histidine 84 retained).
Molecular consequence: synonymous variant.
Genome position (GRCh38, 1-based): chr17:5,001,290, C>T. VCF-style: chr17-5001290-C-T. GRCh37 (hg19) VCF-style: chr17-4904585-C-T.
Other names: p.His84=.
Identifiers: ClinVar variation 1975506 (VCV001975506.6), dbSNP rs569446694, ClinGen allele CA8318492.

ClinVar aggregate classification (germline): Likely benign. Review status: criteria provided, multiple submitters, no conflicts (2 of 4 stars). 2 submissions from 2 submitters: Likely benign (2). Last evaluated 2025-10-23.

Conditions:
Spastic ataxia 2. Also called: Ataxia, spastic, 2, autosomal recessive. Identifiers: Orphanet 397946, MedGen C1969796, MONDO:0012651, OMIM 611302.

Allele frequency attached by ClinVar (database versions not stated): gnomAD 0.00004; 1000 Genomes Project 0.00020; ExAC 0.00006; 1000 Genomes Project 30x 0.00016; gnomAD exomes 0.00005.
gnomAD v4.1: 73 of 1,614,112 alleles (0.0045%); highest among the groups gnomAD compares: Middle Eastern, 0.016%; no homozygotes.

Submissions (2):

Mayo Clinic Laboratories, Mayo Clinic
Classification: Likely benign. Last evaluated: 2025-10-23. Review status: criteria provided, single submitter. Criteria: ACMG Guidelines, 2015. Collection method: clinical testing. Allele origin: germline. Observed: 1 variant allele.
Comment: BP4, BP7

Labcorp Genetics (formerly Invitae), Labcorp
Classification: Likely benign for Spastic ataxia 2. Last evaluated: 2025-02-17. Review status: criteria provided, single submitter. Criteria: Invitae Variant Classification Sherloc (09022015). Collection method: clinical testing. Allele origin: germline.